The following is an entry in ClinVar:

NM_000548.5(TSC2):c.318G>A (p.Lys106=)

Gene: TSC2 (TSC complex subunit 2; plus strand). Cytogenetic location: 16p13.3.
Variant type: single nucleotide variant.
Coding change: c.318G>A on transcript NM_000548.5 (MANE Select); coding-DNA position 318, G replaced by A.
Protein change: p.Lys106=; no amino-acid change (lysine 106 retained).
Molecular consequence: synonymous variant. On other transcripts: intron variant (2).
Genome position (GRCh38, 1-based): chr16:2,053,434, G>A. VCF-style: chr16-2053434-G-A. GRCh37 (hg19) VCF-style: chr16-2103435-G-A.
Other names: c.318G>A, p.Lys106= (NM_001077183.3, NM_001114382.3, NM_001363528.2 and 3 more transcripts); c.171G>A, p.Lys57= (NM_001318829.2); c.351G>A, p.Lys117= (NM_001318832.2); c.226-862G>A (NM_001318827.2); c.-1-2762G>A (NM_001318831.2); c.318G>A (NM_000548.3).
Identifiers: ClinVar variation 1026926 (VCV001026926.10), dbSNP rs756890243, ClinGen allele CA044675.

ClinVar aggregate classification (germline): Benign/Likely benign. Review status: criteria provided, multiple submitters, no conflicts (2 of 4 stars). 3 submissions from 3 submitters: Benign (2); Likely benign (1). Last evaluated 2025-05-02.

Conditions:
Hereditary cancer-predisposing syndrome. Also called: Hereditary neoplastic syndrome; Neoplastic Syndromes, Hereditary; Tumor predisposition; Hereditary Cancer Syndrome. Identifiers: Orphanet 140162, MedGen C0027672, MeSH D009386, MONDO:0015356.
Tuberous sclerosis 2 (TSC2). Identifiers: Orphanet 805, MedGen C1860707, MONDO:0013199, OMIM 613254.

Allele frequency attached by ClinVar (database versions not stated): gnomAD exomes 0.00001; ExAC 0.00003.

Submissions (3):

Myriad Genetics, Inc.
Classification: Benign for Tuberous sclerosis 2. Last evaluated: 2025-05-02. Review status: criteria provided, single submitter. Criteria: Myriad Autosomal Dominant, Autosomal Recessive and X-Linked Classification Criteria (2023). Collection method: clinical testing. Allele origin: unknown.
Comment: This variant is considered benign. This variant is a silent/synonymous amino acid change and it is not expected to impact splicing.

Ambry Genetics
Classification: Likely benign for Hereditary cancer-predisposing syndrome. Last evaluated: 2023-11-10. Review status: criteria provided, single submitter. Criteria: Ambry Variant Classification Scheme 2023. Collection method: clinical testing. Allele origin: germline.

Labcorp Genetics (formerly Invitae), Labcorp
Classification: Benign for Tuberous sclerosis 2. Last evaluated: 2023-07-07. Review status: criteria provided, single submitter. Criteria: Invitae Variant Classification Sherloc (09022015). Collection method: clinical testing. Allele origin: germline.